The following is an entry in ClinVar:

ClinVar aggregate classification (germline): Uncertain significance. Review status: criteria provided, multiple submitters, no conflicts (2 of 4 stars). 2 submissions from 2 submitters: Uncertain significance (2). Last evaluated 2025-06-12.

Conditions:
Duane-radial ray syndrome (DRRS). Also called: ACRORENOOCULAR SYNDROME; DR SYNDROME; DUANE ANOMALY WITH RADIAL RAY ABNORMALITIES AND DEAFNESS; Duane-Radial Ray Syndrome (DRRS) / Okihiro Syndrome; Okihiro Syndrome; Duane-Radial Ray Syndrome/Okihiro Syndrome. Identifiers: Orphanet 93293, Orphanet 959, MedGen C1623209, MONDO:0011812, OMIM 607323. Disease mechanism: gain of function.
Oculootoradial syndrome (IVIC). Also called: RADIAL RAY DEFECTS, HEARING IMPAIRMENT, EXTERNAL OPHTHALMOPLEGIA, AND THROMBOCYTOPENIA; IVIC syndrome. Identifiers: Orphanet 2307, MedGen C1327918, MONDO:0007836, OMIM 147750.

gnomAD v4.1: 26 of 1,614,008 alleles (0.0016%); highest among the groups gnomAD compares: African/African-American, 0.029%; no homozygotes.

Submissions (2):

Labcorp Genetics (formerly Invitae), Labcorp
Classification: Uncertain significance for Duane-radial ray syndrome. Last evaluated: 2025-06-12. Review status: criteria provided, single submitter. Criteria: Invitae Variant Classification Sherloc (09022015). Collection method: clinical testing. Allele origin: germline.
Comment: This sequence change replaces lysine, which is basic and polar, with arginine, which is basic and polar, at codon 357 of the SALL4 protein (p.Lys357Arg). This variant is present in population databases (rs376159562, gnomAD 0.03%). This variant has not been reported in the literature in individuals affected with SALL4-related conditions. ClinVar contains an entry for this variant (Variation ID: 3587374). An algorithm developed to predict the effect of missense changes on protein structure and function outputs the following: PolyPhen-2: "Benign". The arginine amino acid residue is found in multiple mammalian species, which suggests that this missense change does not adversely affect protein function. In summary, the available evidence is currently insufficient to determine the role of this variant in disease. Therefore, it has been classified as a Variant of Uncertain Significance.

Fulgent Genetics
Classification: Uncertain significance for Oculootoradial syndrome; Duane-radial ray syndrome. Last evaluated: 2024-06-20. Review status: criteria provided, single submitter. Criteria: ACMG Guidelines, 2015. Collection method: clinical testing. Allele origin: germline.

NM_020436.5(SALL4):c.1070A>G (p.Lys357Arg)

Gene: SALL4 (spalt like transcription factor 4; minus strand). Cytogenetic location: 20q13.2.
Variant type: single nucleotide variant.
Coding change: c.1070A>G on transcript NM_020436.5 (MANE Select); coding-DNA position 1070, A replaced by G.
Protein change: p.Lys357Arg; replaces lysine 357 with arginine.
Molecular consequence: missense variant.
Genome position (GRCh38, 1-based): chr20:51,791,413, T>C on the plus strand (A>G on the coding strand, the complement: SALL4 is on the minus strand). VCF-style: chr20-51791413-T-C. GRCh37 (hg19) VCF-style: chr20-50407952-T-C.
Other names: c.1070A>G, p.Lys357Arg (NM_001318031.2); short protein forms K357R.
Identifiers: ClinVar variation 3587374 (VCV003587374.2).
Genomic context (GRCh38, chr20:51,791,413, plus strand): 5'-GCCTCGTCTTTGGGTTTGACATCCACCGCGGAGATGTTCGGTGGCTTCCCCTTCCCTTTC[T>C]TGGATGTGTCTAGCGCCACAGTGGAGAAAGGGCTCTGGAAGAGCACCGAGCCCGGGGCCT-3'
Protein context (NP_065169.1, residues 347-367): PFSTVALDTS[Lys357Arg]KGKGKPPNIS